The following is an entry in ClinVar:

NM_015057.5(MYCBP2):c.14013G>A (p.Val4671=)

Gene: MYCBP2 (MYC binding protein 2; minus strand). Cytogenetic location: 13q22.3.
Variant type: single nucleotide variant.
Coding change: c.14013G>A on transcript NM_015057.5 (MANE Select); coding-DNA position 14013, G replaced by A.
Protein change: p.Val4671=; no amino-acid change (valine 4671 retained).
Molecular consequence: synonymous variant.
Genome position (GRCh38, 1-based): chr13:77,045,402, C>T on the plus strand (G>A on the coding strand, the complement: MYCBP2 is on the minus strand). VCF-style: chr13-77045402-C-T. GRCh37 (hg19) VCF-style: chr13-77619537-C-T.
Identifiers: ClinVar variation 3059370 (VCV003059370.2), dbSNP rs35696375, ClinGen allele CA7007539.

ClinVar aggregate classification (germline): Benign (0 of 4 stars; one submission).

Conditions:
MYCBP2-related disorder. Also called: MYCBP2-related condition.

Allele frequency attached by ClinVar (database versions not stated): gnomAD exomes 0.00119; ExAC 0.00424; gnomAD 0.01300; TOPMed 0.01443; 1000 Genomes Project 0.01458; 1000 Genomes Project 30x 0.01515; ESP Exome Variant Server 0.01645.
gnomAD v4.1: 3,793 of 1,613,926 alleles (0.24%); highest among the groups gnomAD compares: African/African-American, 4.5%; 78 homozygotes.

Submission:

PreventionGenetics, part of Exact Sciences
Classification: Benign for MYCBP2-related condition. Last evaluated: 2019-04-25. Review status: no assertion criteria provided. Collection method: clinical testing. Allele origin: germline.
Comment: This variant is classified as benign based on ACMG/AMP sequence variant interpretation guidelines (Richards et al. 2015 PMID: 25741868, with internal and published modifications).